The following is an entry in ClinVar:

ClinVar aggregate classification (germline): Conflicting classifications of pathogenicity. Review status: criteria provided, conflicting classifications (1 of 4 stars). 4 submissions from 4 submitters: Uncertain significance (2); Likely benign (1). 1 of the submissions does not count toward it. Last evaluated 2025-01-17.

Conditions:
Familial cancer of breast. Also called: hereditary breast carcinoma; BREAST CANCER, FAMILIAL; Hereditary breast cancer. Identifiers: Orphanet 227535, MedGen C0346153, MONDO:0016419, OMIM 114480. Disease mechanism: loss of function.
Breast-ovarian cancer, familial, susceptibility to, 2 (BROVCA2). Also called: BRCA2 Hereditary Breast and Ovarian Cancer. Identifiers: Orphanet 145, MedGen C2675520, MONDO:0012933, OMIM 612555. Disease mechanism: loss of function.
Wilms tumor 1 (WT1). Also called: Wilms tumor, somatic. Identifiers: Orphanet 654, MedGen CN033288, MONDO:0008679, OMIM 194070.
Pancreatic cancer, susceptibility to, 2. Identifiers: Orphanet 1333, MedGen C3150546, MONDO:0013235, OMIM 613347.
Glioma susceptibility 3 (GLM3). Also called: Glioblastoma 3. Identifiers: Orphanet 182067, Orphanet 360, MedGen C2751641, MONDO:0013093, OMIM 613029.
Familial prostate cancer. Also called: Hereditary Prostate Cancer. Identifiers: MedGen C2931456, MONDO:0700275, OMIM 176807.
Fanconi anemia complementation group D1. Also called: BRCA2-Related Fanconi Anemia. Identifiers: Orphanet 319462, MedGen C1838457, MONDO:0011584, OMIM 605724.
Medulloblastoma (MDB). Also called: Medulloblastoma, somatic; MEDULLOBLASTOMA PREDISPOSITION SYNDROME. Identifiers: Orphanet 616, MedGen C0025149, MeSH D008527, MONDO:0007959, OMIM 155255, HP:0002885.
Hereditary cancer-predisposing syndrome. Also called: Neoplastic Syndromes, Hereditary; Tumor predisposition; Hereditary neoplastic syndrome; Hereditary Cancer Syndrome. Identifiers: Orphanet 140162, MedGen C0027672, MeSH D009386, MONDO:0015356.
Hereditary breast ovarian cancer syndrome. Also called: Hereditary breast and ovarian cancer syndrome; Hereditary breast and ovarian cancer syndrome (HBOC); Breast and ovarian cancer; BRCA1- and BRCA2-Associated Hereditary Breast and Ovarian Cancer; Hereditary breast and/or ovarian cancer syndrome; Hereditary breast and ovarian cancer. Identifiers: Orphanet 145, MedGen C0677776, MeSH D061325, MONDO:0003582. Disease mechanism: loss of function.

Submissions (4):

Ambry Genetics
Classification: Likely benign for Hereditary cancer-predisposing syndrome. Last evaluated: 2025-01-17. Review status: criteria provided, single submitter. Criteria: Ambry Variant Classification Scheme 2023. Collection method: clinical testing. Allele origin: germline.

Fulgent Genetics
Classification: Uncertain significance for Familial cancer of breast; Medulloblastoma; Familial prostate cancer; Wilms tumor 1; Fanconi anemia complementation group D1; Breast-ovarian cancer, familial, susceptibility to, 2; Glioma susceptibility 3; Pancreatic cancer, susceptibility to, 2. Last evaluated: 2024-06-14. Review status: criteria provided, single submitter. Criteria: ACMG Guidelines, 2015. Collection method: clinical testing. Allele origin: germline.

Labcorp Genetics (formerly Invitae), Labcorp
Classification: Uncertain significance for Hereditary breast ovarian cancer syndrome. Last evaluated: 2024-02-14. Review status: criteria provided, single submitter. Criteria: Invitae Variant Classification Sherloc (09022015). Collection method: clinical testing. Allele origin: germline.
Comment: This sequence change replaces threonine, which is neutral and polar, with alanine, which is neutral and non-polar, at codon 3387 of the BRCA2 protein (p.Thr3387Ala). This variant is not present in population databases (gnomAD no frequency). This variant has not been reported in the literature in individuals affected with BRCA2-related conditions. ClinVar contains an entry for this variant (Variation ID: 230907). Advanced modeling of protein sequence and biophysical properties (such as structural, functional, and spatial information, amino acid conservation, physicochemical variation, residue mobility, and thermodynamic stability) performed at Invitae indicates that this missense variant is not expected to disrupt BRCA2 protein function with a negative predictive value of 95%. Experimental studies have shown that this missense change affects BRCA2 function (PMID: 18317453, 35409418). In summary, the available evidence is currently insufficient to determine the role of this variant in disease. Therefore, it has been classified as a Variant of Uncertain Significance.

BRCAlab, Lund University
Classification: Uncertain significance for Breast-ovarian cancer, familial, susceptibility to, 2. Last evaluated: 2020-03-02. Review status: no assertion criteria provided. Collection method: clinical testing. Allele origin: germline. Affected: yes. Not counted in ClinVar's aggregate classification.

Literature cited by the submitters: PubMed 18317453 (cited by Ambry Genetics and Labcorp Genetics (formerly Invitae), Labcorp); PubMed 24880342 (cited by Ambry Genetics); PubMed 35409418 (cited by Labcorp Genetics (formerly Invitae), Labcorp).

NM_000059.4(BRCA2):c.10159A>G (p.Thr3387Ala)

Gene: BRCA2 (BRCA2 DNA repair associated; plus strand). Cytogenetic location: 13q13.1.
Variant type: single nucleotide variant.
Coding change: c.10159A>G on transcript NM_000059.4 (MANE Select); coding-DNA position 10159, A replaced by G.
Protein change: p.Thr3387Ala; replaces threonine 3387 with alanine.
Molecular consequence: missense variant.
Genome position (GRCh38, 1-based): chr13:32,398,672, A>G. VCF-style: chr13-32398672-A-G. GRCh37 (hg19) VCF-style: chr13-32972809-A-G.
Other names: short protein forms T3387A.
Identifiers: ClinVar variation 230907 (VCV000230907.18), dbSNP rs786202571, ClinGen allele CA10579859.
Genomic context (GRCh38, chr13:32,398,672, plus strand): 5'-GAATCCACTAGGACTGCTCCCACCAGTTCAGAAGATTATCTCAGACTGAAACGACGTTGT[A>G]CTACATCTCTGATCAAAGAACAGGAGAGTTCCCAGGCCAGTACGGAAGAATGTGAGAAAA-3'
Protein context (NP_000050.3, residues 3377-3397): EDYLRLKRRC[Thr3387Ala]TSLIKEQESS